The following is an entry in ClinVar:

NM_000237.3(LPL):c.659G>A (p.Ser220Asn)

Gene: LPL (lipoprotein lipase; plus strand). Cytogenetic location: 8p21.3.
Variant type: single nucleotide variant.
Coding change: c.659G>A on transcript NM_000237.3 (MANE Select); coding-DNA position 659, G replaced by A.
Protein change: p.Ser220Asn; replaces serine 220 with asparagine.
Molecular consequence: missense variant.
Genome position (GRCh38, 1-based): chr8:19,954,237, G>A. VCF-style: chr8-19954237-G-A. GRCh37 (hg19) VCF-style: chr8-19811748-G-A.
Other names: short protein forms S220N.
Identifiers: ClinVar variation 1490467 (VCV001490467.6), dbSNP rs2128838177, ClinGen allele CA370468493.

ClinVar aggregate classification (germline): Uncertain significance (1 of 4 stars; one submission).

Submission:

Labcorp Genetics (formerly Invitae), Labcorp
Classification: Uncertain significance. Last evaluated: 2021-10-28. Review status: criteria provided, single submitter. Criteria: Invitae Variant Classification Sherloc (09022015). Collection method: clinical testing. Allele origin: germline.
Comment: In summary, the available evidence is currently insufficient to determine the role of this variant in disease. Therefore, it has been classified as a Variant of Uncertain Significance. Algorithms developed to predict the effect of missense changes on protein structure and function are either unavailable or do not agree on the potential impact of this missense change (SIFT: "Deleterious"; PolyPhen-2: "Probably Damaging"; Align-GVGD: "Class C0"). This variant has not been reported in the literature in individuals affected with LPL-related conditions. This variant is not present in population databases (gnomAD no frequency). This sequence change replaces serine, which is neutral and polar, with asparagine, which is neutral and polar, at codon 220 of the LPL protein (p.Ser220Asn).